The following is an entry in ClinVar:

NM_000262.3(NAGA):c.606_607del (p.Tyr202_Ser203delinsTer)

Gene: NAGA (alpha-N-acetylgalactosaminidase; minus strand). Cytogenetic location: 22q13.2.
Variant type: Deletion.
Coding change: c.606_607del on transcript NM_000262.3 (MANE Select); coding-DNA positions 606 to 607, 2 bases deleted (CA; older notation c.606_607delCA).
Protein change: p.Tyr202_Ser203delinsTer.
Molecular consequence: nonsense.
Genome position (GRCh38, 1-based): chr22:42,065,890-42,065,891, TG deleted on the plus strand (CA on the coding strand, the reverse complement: NAGA is on the minus strand); deleting any 2 consecutive bases within chr22:42,065,890-42,065,892 gives the same sequence; the c. name uses the placement nearest the transcript's 3' end. VCF-style (leftmost placement, unchanged base first): chr22-42065889-CTG-C. GRCh37 (hg19) VCF-style: chr22-42461893-CTG-C.
Other names: c.606_607del, p.Tyr202_Ser203delinsTer (NM_001362848.1, NM_001362850.1).
Identifiers: ClinVar variation 2803545 (VCV002803545.3), dbSNP rs1461803502, ClinGen allele CA753287019.

ClinVar aggregate classification (germline): Pathogenic (1 of 4 stars; one submission).

Conditions:
Alpha-N-acetylgalactosaminidase deficiency type 1. Also called: SCHINDLER DISEASE, TYPE I; ALPHA-N-ACETYLGALACTOSAMINIDASE DEFICIENCY, TYPE I; NAGA DEFICIENCY, TYPE I; NEUROAXONAL DYSTROPHY, SCHINDLER TYPE. Identifiers: Orphanet 3137, Orphanet 79279, Orphanet 79281, MedGen C1836544, MONDO:0012221, OMIM 609241.

Submission:

Labcorp Genetics (formerly Invitae), Labcorp
Classification: Pathogenic for Alpha-N-acetylgalactosaminidase deficiency type 1. Last evaluated: 2023-09-29. Review status: criteria provided, single submitter. Criteria: Invitae Variant Classification Sherloc (09022015). Collection method: clinical testing. Allele origin: germline.
Comment: This sequence change creates a premature translational stop signal (p.Tyr202*) in the NAGA gene. It is expected to result in an absent or disrupted protein product. Loss-of-function variants in NAGA are known to be pathogenic (PMID: 8782044, 11251574). For these reasons, this variant has been classified as Pathogenic. This variant has not been reported in the literature in individuals affected with NAGA-related conditions. This variant is not present in population databases (gnomAD no frequency).

Literature cited by the submitters: PubMed 8782044; PubMed 11251574.